The following is an entry in ClinVar:

NM_000268.4(NF2):c.1351dup (p.Ala451fs)

Gene: NF2 (NF2, moesin-ezrin-radixin like (MERLIN) tumor suppressor; plus strand). Cytogenetic location: 22q12.2.
Variant type: Duplication.
Coding change: c.1351dup on transcript NM_000268.4 (MANE Select); coding-DNA position 1351, one base duplicated (G; older notation c.1351dupG).
Protein change: p.Ala451fs; shifts the reading frame from alanine 451.
Molecular consequence: frameshift variant. On other transcripts: non-coding transcript variant (1), intron variant (1).
Genome position (GRCh38, 1-based): chr22:29,674,846, G duplicated; the last of 2 consecutive G bases (chr22:29,674,845-29,674,846); duplicating either gives the same sequence. VCF-style (leftmost placement, unchanged base first): chr22-29674844-A-AG. GRCh37 (hg19) VCF-style: chr22-30070833-A-AG.
Other names: c.1237dup, p.Ala413fs (NM_001407053.1, NM_001407056.1); c.1228dup, p.Ala410fs (NM_001407054.1, NM_001407058.1, NM_181829.3); c.1225dup, p.Ala409fs (NM_001407055.1, NM_181828.3); c.1216dup, p.Ala406fs (NM_001407057.1, NM_001407059.1); c.1102dup, p.Ala368fs (NM_181830.3, NM_181831.3, NM_001407063.1 and 1 more transcripts); c.1351dup, p.Ala451fs (NM_181832.3, NM_001407060.1, NM_001407066.1 and 2 more transcripts); c.448-19906dup (NM_181833.3); c.1093dup, p.Ala365fs (NM_001407062.1); and 2 more; short protein forms A409fs, A451fs, A410fs, A368fs, A374fs, A273fs, A365fs, A406fs.
Identifiers: ClinVar variation 3660150 (VCV003660150.2).

ClinVar aggregate classification (germline): Pathogenic (1 of 4 stars; one submission).

Conditions:
Neurofibromatosis, type 2 (SWNV). Also called: BILATERAL ACOUSTIC NEUROFIBROMATOSIS; SCHWANNOMATOSIS, VESTIBULAR; NF2-Related Schwannomatosis. Identifiers: Orphanet 637, MedGen C0027832, MONDO:0007039, OMIM 101000. Disease mechanism: loss of function.

Submission:

Labcorp Genetics (formerly Invitae), Labcorp
Classification: Pathogenic for Neurofibromatosis, type 2. Last evaluated: 2024-07-22. Review status: criteria provided, single submitter. Criteria: Invitae Variant Classification Sherloc (09022015). Collection method: clinical testing. Allele origin: germline.
Comment: This sequence change creates a premature translational stop signal (p.Ala451Glyfs*44) in the NF2 gene. It is expected to result in an absent or disrupted protein product. Loss-of-function variants in NF2 are known to be pathogenic (PMID: 9643284, 16983642). This variant is not present in population databases (gnomAD no frequency). This variant has not been reported in the literature in individuals affected with NF2-related conditions. For these reasons, this variant has been classified as Pathogenic.

Literature cited by the submitters: PubMed 9643284; PubMed 16983642.